The following is an entry in ClinVar:

ClinVar aggregate classification (germline): Uncertain significance (1 of 4 stars; one submission).

Conditions:
Hereditary cancer-predisposing syndrome. Also called: Tumor predisposition; Hereditary neoplastic syndrome; Neoplastic Syndromes, Hereditary; Hereditary Cancer Syndrome. Identifiers: Orphanet 140162, MedGen C0027672, MeSH D009386, MONDO:0015356.

Submission:

Ambry Genetics
Classification: Uncertain significance for Hereditary cancer-predisposing syndrome. Last evaluated: 2025-05-07. Review status: criteria provided, single submitter. Criteria: Ambry Variant Classification Scheme 2023. Collection method: clinical testing. Allele origin: germline.
Comment: The p.I687S variant (also known as c.2060T>G), located in coding exon 7 of the BLM gene, results from a T to G substitution at nucleotide position 2060. The isoleucine at codon 687 is replaced by serine, an amino acid with dissimilar properties. This amino acid position is conserved. In addition, the in silico prediction for this alteration is inconclusive. Based on the available evidence, the clinical significance of this variant remains unclear.

NM_000057.4(BLM):c.2060T>G (p.Ile687Ser)

Gene: BLM (BLM RecQ like helicase; plus strand). Cytogenetic location: 15q26.1.
Variant type: single nucleotide variant.
Coding change: c.2060T>G on transcript NM_000057.4 (MANE Select); coding-DNA position 2060, T replaced by G.
Protein change: p.Ile687Ser; replaces isoleucine 687 with serine.
Molecular consequence: missense variant.
Genome position (GRCh38, 1-based): chr15:90,763,143, T>G. VCF-style: chr15-90763143-T-G. GRCh37 (hg19) VCF-style: chr15-91306373-T-G.
Other names: c.2060T>G, p.Ile687Ser (NM_001287246.2, NM_001287247.2); c.935T>G, p.Ile312Ser (NM_001287248.2); short protein forms I687S, I312S.
Identifiers: ClinVar variation 3991662 (VCV003991662.1).
Genomic context (GRCh38, chr15:90,763,143, plus strand): 5'-ATTTTAGAACTAATCAGCTAGAGGCGATCAATGCTGCACTGCTTGGTGAAGACTGTTTTA[T>G]CCTGATGCCGACTGGTATGTATTTTTAGAAGTGAATTGGCAGGAATCCATTGGCAGATGT-3'
Protein context (NP_000048.1, residues 677-697): NAALLGEDCF[Ile687Ser]LMPTGGGKSL